The following is an entry in ClinVar:

ClinVar aggregate classification (germline): Uncertain significance (1 of 4 stars; one submission).

Conditions:
Tuberous sclerosis 1 (TSC1). Identifiers: Orphanet 805, MedGen C1854465, MONDO:0008612, OMIM 191100.

Submission:

Labcorp Genetics (formerly Invitae), Labcorp
Classification: Uncertain significance for Tuberous sclerosis 1. Last evaluated: 2022-05-01. Review status: criteria provided, single submitter. Criteria: Invitae Variant Classification Sherloc (09022015). Collection method: clinical testing. Allele origin: germline.
Comment: This sequence change replaces methionine, which is neutral and non-polar, with isoleucine, which is neutral and non-polar, at codon 749 of the TSC1 protein (p.Met749Ile). In summary, the available evidence is currently insufficient to determine the role of this variant in disease. Therefore, it has been classified as a Variant of Uncertain Significance. Algorithms developed to predict the effect of missense changes on protein structure and function output the following: SIFT: "Tolerated"; PolyPhen-2: "Benign"; Align-GVGD: "Class C0". The isoleucine amino acid residue is found in multiple mammalian species, which suggests that this missense change does not adversely affect protein function. This variant has not been reported in the literature in individuals affected with TSC1-related conditions. This variant is not present in population databases (gnomAD no frequency).

NM_000368.5(TSC1):c.2247G>T (p.Met749Ile)

Gene: TSC1 (TSC complex subunit 1; minus strand). Cytogenetic location: 9q34.13.
Variant type: single nucleotide variant.
Coding change: c.2247G>T on transcript NM_000368.5 (MANE Select); coding-DNA position 2247, G replaced by T.
Protein change: p.Met749Ile; replaces methionine 749 with isoleucine.
Molecular consequence: missense variant.
Genome position (GRCh38, 1-based): chr9:132,902,749, C>A on the plus strand (G>T on the coding strand, the complement: TSC1 is on the minus strand). VCF-style: chr9-132902749-C-A. GRCh37 (hg19) VCF-style: chr9-135778136-C-A.
Other names: c.2229G>T, p.Met743Ile (NM_001406603.1, NM_001406604.1); c.2247G>T, p.Met749Ile (NM_001406605.1, NM_001406606.1, NM_001406607.1 and 5 more transcripts); c.2244G>T, p.Met748Ile (NM_001406608.1, NM_001406609.1, NM_001162426.2 and 4 more transcripts); c.2094G>T, p.Met698Ile (NM_001406610.1, NM_001162427.2); c.2091G>T, p.Met697Ile (NM_001406611.1, NM_001406612.1, NM_001406613.1); c.1884G>T, p.Met628Ile (NM_001362177.2, NM_001406614.1, NM_001406615.1 and 5 more transcripts); c.2232G>T, p.Met744Ile (NM_001406601.1, NM_001406602.1); c.1881G>T, p.Met627Ile (NM_001406620.1, NM_001406621.1, NM_001406622.1 and 2 more transcripts); and 3 more; short protein forms M398I, M432I, M748I, M749I, M628I, M431I, M698I, M743I.
Identifiers: ClinVar variation 1951391 (VCV001951391.5), dbSNP rs1189517650, ClinGen allele CA375359922.